The following is an entry in ClinVar:

NM_000530.8(MPZ):c.242A>T (p.His81Leu)

Gene: MPZ (myelin protein zero; minus strand). Cytogenetic location: 1q23.3.
Variant type: single nucleotide variant.
Coding change: c.242A>T on transcript NM_000530.8 (MANE Select); coding-DNA position 242, A replaced by T.
Protein change: p.His81Leu; replaces histidine 81 with leucine.
Molecular consequence: missense variant.
Genome position (GRCh38, 1-based): chr1:161,306,914, T>A on the plus strand (A>T on the coding strand, the complement: MPZ is on the minus strand). VCF-style: chr1-161306914-T-A. GRCh37 (hg19) VCF-style: chr1-161276704-T-A.
Other names: c.242A>T (LRG_256t1); c.242A>T, p.His81Leu (NM_001315491.2); short protein forms H81L.
Identifiers: ClinVar variation 637780 (VCV000637780.10), dbSNP rs121913594, ClinGen allele CA343350035.
Genomic context (GRCh38, chr1:161,306,914, plus strand): 5'-CACTGGATGCGCTCTTTGAAGGTCCCCACCTCGTCAATGTAGGGTTGTCCCTTGGCATAG[T>A]GGAAGATCTATGAGGAATGAGGGGAAGCATGTGAGAGGACCCTAATGAGAACACAGCTGT-3'
Protein context (NP_000521.2, residues 71-91): EGGRDAISIF[His81Leu]YAKGQPYIDE

ClinVar aggregate classification (germline): Uncertain significance. Review status: criteria provided, multiple submitters, no conflicts (2 of 4 stars). 3 submissions from 3 submitters: Uncertain significance (2). 1 of the submissions does not count toward it. Last evaluated 2024-10-30.

Conditions:
Charcot-Marie-Tooth disease. Also called: Charcot-Marie-Tooth Hereditary Neuropathy; Charcot-Marie-Tooth Neuropathy. Identifiers: Orphanet 166, MedGen C0007959, MONDO:0015626.
Charcot-Marie-Tooth disease dominant intermediate D. Also called: CHARCOT-MARIE-TOOTH NEUROPATHY, DOMINANT INTERMEDIATE D; Charcot-Marie-Tooth disease dominant intermediate 3; CMT DI3. Identifiers: Orphanet 100046, MedGen C1843075, MONDO:0011909, OMIM 607791.
Charcot-Marie-Tooth disease, type I (CMT1). Also called: Charcot-Marie-Tooth disease type 1; Charcot-Marie-Tooth, Type 1. Identifiers: Orphanet 65753, MedGen C0751036, MONDO:0019011.

Submissions (3):

Labcorp Genetics (formerly Invitae), Labcorp
Classification: Uncertain significance for Charcot-Marie-Tooth disease, type I. Last evaluated: 2024-10-30. Review status: criteria provided, single submitter. Criteria: Invitae Variant Classification Sherloc (09022015). Collection method: clinical testing. Allele origin: germline.
Comment: This sequence change replaces histidine, which is basic and polar, with leucine, which is neutral and non-polar, at codon 81 of the MPZ protein (p.His81Leu). This variant is not present in population databases (gnomAD no frequency). This missense change has been observed in individual(s) with autosomal dominant Charcot-Marie-Tooth disease (PMID: 24028194). ClinVar contains an entry for this variant (Variation ID: 637780). Invitae Evidence Modeling of protein sequence and biophysical properties (such as structural, functional, and spatial information, amino acid conservation, physicochemical variation, residue mobility, and thermodynamic stability) has been performed for this missense variant. However, the output from this modeling did not meet the statistical confidence thresholds required to predict the impact of this variant on MPZ protein function. This variant disrupts the p.His81 amino acid residue in MPZ. Other variant(s) that disrupt this residue have been determined to be pathogenic (PMID: 8990016, 18337304). This suggests that this residue is clinically significant, and that variants that disrupt this residue are likely to be disease-causing. In summary, the available evidence is currently insufficient to determine the role of this variant in disease. Therefore, it has been classified as a Variant of Uncertain Significance.

MGZ Medical Genetics Center
Classification: Uncertain significance for Charcot-Marie-Tooth disease dominant intermediate D. Last evaluated: 2022-01-07. Review status: criteria provided, single submitter. Criteria: ACMG Guidelines, 2015. Collection method: clinical testing. Allele origin: germline. Affected: yes. Observed: 1 variant allele.
Comment: ACMG criteria applied: PM5, PM2_SUP, PP1, PP3

Inherited Neuropathy Consortium
Classification: Uncertain significance for Charcot-Marie-Tooth disease. Review status: no assertion criteria provided. Collection method: literature only. Allele origin: germline. Affected: yes. Not counted in ClinVar's aggregate classification.

Literature cited by the submitters: PubMed 24028194 (cited by Labcorp Genetics (formerly Invitae), Labcorp and Inherited Neuropathy Consortium); PubMed 8990016 (cited by Labcorp Genetics (formerly Invitae), Labcorp); PubMed 18337304 (cited by Labcorp Genetics (formerly Invitae), Labcorp).